The following is an entry in ClinVar:

ClinVar aggregate classification (germline): Uncertain significance. Review status: criteria provided, multiple submitters, no conflicts (2 of 4 stars). 2 submissions from 2 submitters: Uncertain significance (2). Last evaluated 2024-01-30.

Conditions:
Lethal Kniest-like syndrome (DDSH). Also called: Dyssegmental Dysplasia. Identifiers: Orphanet 1865, MedGen C1857100, MONDO:0009140, OMIM 224410.
Schwartz-Jampel syndrome type 1 (SJS1). Also called: MYOTONIC MYOPATHY, DWARFISM, CHONDRODYSTROPHY, AND OCULAR AND FACIAL ABNORMALITIES; CHONDRODYSTROPHIC MYOTONIA. Identifiers: MedGen C4551479, MONDO:0100435, OMIM 255800.

Allele frequency attached by ClinVar (database versions not stated): gnomAD exomes below 0.00001.
gnomAD v4.1: 1 of 1,614,194 alleles (0.000062%); highest among the groups gnomAD compares: Admixed American, 0.0017%; no homozygotes.

Submissions (2):

Fulgent Genetics
Classification: Uncertain significance for Lethal Kniest-like syndrome; Schwartz-Jampel syndrome type 1. Last evaluated: 2024-01-30. Review status: criteria provided, single submitter. Criteria: ACMG Guidelines, 2015. Collection method: clinical testing. Allele origin: germline.

Labcorp Genetics (formerly Invitae), Labcorp
Classification: Uncertain significance. Last evaluated: 2024-01-12. Review status: criteria provided, single submitter. Criteria: Invitae Variant Classification Sherloc (09022015). Collection method: clinical testing. Allele origin: germline.
Comment: This sequence change replaces alanine, which is neutral and non-polar, with valine, which is neutral and non-polar, at codon 3560 of the HSPG2 protein (p.Ala3560Val). This variant is present in population databases (no rsID available, gnomAD 0.003%). This variant has not been reported in the literature in individuals affected with HSPG2-related conditions. An algorithm developed to predict the effect of missense changes on protein structure and function (PolyPhen-2) suggests that this variant is likely to be tolerated. In summary, the available evidence is currently insufficient to determine the role of this variant in disease. Therefore, it has been classified as a Variant of Uncertain Significance.

NM_005529.7(HSPG2):c.10679C>T (p.Ala3560Val)

Gene: HSPG2 (heparan sulfate proteoglycan 2; minus strand). Cytogenetic location: 1p36.12.
Variant type: single nucleotide variant.
Coding change: c.10679C>T on transcript NM_005529.7 (MANE Select); coding-DNA position 10679, C replaced by T.
Protein change: p.Ala3560Val; replaces alanine 3560 with valine.
Molecular consequence: missense variant.
Genome position (GRCh38, 1-based): chr1:21,834,720, G>A on the plus strand (C>T on the coding strand, the complement: HSPG2 is on the minus strand). VCF-style: chr1-21834720-G-A. GRCh37 (hg19) VCF-style: chr1-22161213-G-A.
Other names: c.10682C>T, p.Ala3561Val (NM_001291860.2); short protein forms A3560V, A3561V.
Identifiers: ClinVar variation 3007742 (VCV003007742.4), dbSNP rs1181273724, ClinGen allele CA338908837.